The following is an entry in ClinVar:

ClinVar aggregate classification (germline): Pathogenic (1 of 4 stars; one submission).

Conditions:
Hereditary spastic paraplegia 49 (HSAN9). Also called: Spastic paraplegia 49, autosomal recessive; TECPR2-Related Hereditary Sensory and Autonomic Neuropathy with Intellectual Disability; NEUROPATHY, HEREDITARY SENSORY AND AUTONOMIC, TYPE IX, WITH DEVELOPMENTAL DELAY. Identifiers: Orphanet 320385, MedGen C5190860, MONDO:0014016, OMIM 615031.

Submission:

Labcorp Genetics (formerly Invitae), Labcorp
Classification: Pathogenic for Hereditary spastic paraplegia 49. Last evaluated: 2021-11-08. Review status: criteria provided, single submitter. Criteria: Invitae Variant Classification Sherloc (09022015). Collection method: clinical testing. Allele origin: germline.
Comment: This sequence change creates a premature translational stop signal (p.Trp243*) in the TECPR2 gene. It is expected to result in an absent or disrupted protein product. Loss-of-function variants in TECPR2 are known to be pathogenic (PMID: 23176824, 25590979). This variant is not present in population databases (gnomAD no frequency). This variant has not been reported in the literature in individuals affected with TECPR2-related conditions. Algorithms developed to predict the effect of sequence changes on RNA splicing suggest that this variant may create or strengthen a splice site. For these reasons, this variant has been classified as Pathogenic.

Literature cited by the submitters: PubMed 23176824; PubMed 25590979.

NM_014844.5(TECPR2):c.728G>A (p.Trp243Ter)

Gene: TECPR2 (tectonin beta-propeller repeat containing 2; plus strand). Cytogenetic location: 14q32.31.
Variant type: single nucleotide variant.
Coding change: c.728G>A on transcript NM_014844.5 (MANE Select); coding-DNA position 728, G replaced by A.
Protein change: p.Trp243Ter; replaces tryptophan 243 with a stop codon.
Molecular consequence: nonsense.
Genome position (GRCh38, 1-based): chr14:102,425,068, G>A. VCF-style: chr14-102425068-G-A. GRCh37 (hg19) VCF-style: chr14-102891405-G-A.
Other names: c.728G>A, p.Trp243Ter (NM_001172631.3); short protein forms W243*.
Identifiers: ClinVar variation 1458279 (VCV001458279.6), dbSNP rs2139716064, ClinGen allele CA391046939.
Genomic context (GRCh38, chr14:102,425,068, plus strand): 5'-CAGGACTCTGTAAGCAAAGTGATCTAACCTTGTATGCGTCACGGCCCGGGCTCCGGCTAT[G>A]GAAGGCTGATGTCCACGGGACTGTTCAAGCCACGTTTATCTTAAAAGATGCTTTTGCCGG-3'